The following is an entry in ClinVar:

ClinVar aggregate classification (germline): Uncertain significance (1 of 4 stars; one submission).

gnomAD v4.1: 64 of 1,612,934 alleles (0.004%); highest among the groups gnomAD compares: Middle Eastern, 0.034%; no homozygotes.

Submission:

Labcorp Genetics (formerly Invitae), Labcorp
Classification: Uncertain significance. Last evaluated: 2025-12-15. Review status: criteria provided, single submitter. Criteria: Invitae Variant Classification Sherloc (09022015). Collection method: clinical testing. Allele origin: germline.
Comment: This sequence change replaces arginine, which is basic and polar, with tryptophan, which is neutral and slightly polar, at codon 537 of the UBE3B protein (p.Arg537Trp). This variant is present in population databases (rs115231746, gnomAD 0.01%). This variant has not been reported in the literature in individuals affected with UBE3B-related conditions. Invitae Evidence Modeling of protein sequence and biophysical properties (such as structural, functional, and spatial information, amino acid conservation, physicochemical variation, residue mobility, and thermodynamic stability) indicates that this missense variant is not expected to disrupt UBE3B protein function with a negative predictive value of 80%. In summary, the available evidence is currently insufficient to determine the role of this variant in disease. Therefore, it has been classified as a Variant of Uncertain Significance.

NM_130466.4(UBE3B):c.1609C>T (p.Arg537Trp)

Gene: UBE3B (ubiquitin protein ligase E3B; plus strand). Cytogenetic location: 12q24.11.
Variant type: single nucleotide variant.
Coding change: c.1609C>T on transcript NM_130466.4 (MANE Select); coding-DNA position 1609, C replaced by T.
Protein change: p.Arg537Trp; replaces arginine 537 with tryptophan.
Molecular consequence: missense variant.
Genome position (GRCh38, 1-based): chr12:109,507,722, C>T. VCF-style: chr12-109507722-C-T. GRCh37 (hg19) VCF-style: chr12-109945527-C-T.
Other names: c.1609C>T, p.Arg537Trp (NM_183415.3); short protein forms R537W.
Identifiers: ClinVar variation 4768531 (VCV004768531.1).